The following is an entry in ClinVar:

NM_001267550.2(TTN):c.81897C>T (p.Ile27299=)

Genes: TTN (titin; minus strand), TTN-AS1 (TTN antisense RNA 1; plus strand). Cytogenetic location: 2q31.2.
Variant type: single nucleotide variant.
Coding change: c.81897C>T on transcript NM_001267550.2 (MANE Select); coding-DNA position 81897, C replaced by T.
Protein change: p.Ile27299=; no amino-acid change (isoleucine 27299 retained).
Molecular consequence: synonymous variant.
Genome position (GRCh38, 1-based): chr2:178,564,235, G>A on the plus strand (C>T on the coding strand, the complement: TTN is on the minus strand). VCF-style: chr2-178564235-G-A. GRCh37 (hg19) VCF-style: chr2-179428962-G-A.
Other names: c.76974C>T, p.Ile25658= (NM_001256850.1); c.54702C>T, p.Ile18234= (NM_003319.4); c.74193C>T, p.Ile24731= (NM_133378.4); c.55077C>T, p.Ile18359= (NM_133432.3); c.55278C>T, p.Ile18426= (NM_133437.4).
Identifiers: ClinVar variation 191883 (VCV000191883.1), dbSNP rs786205376, ClinGen allele CA237779.
Genomic context (GRCh38, chr2:178,564,235, plus strand): 5'-TGTTTCTTCAAGTTCTTTTCCATCTTTTGACCAAACAACATCAGGTATAGGTTTGCCACG[G>A]ATGTCGGCTTCAAGAACAAAAGTCTCTCCTGCATGAACAACGATGACATCTTTATATTTT-3'
Protein context (NP_001254479.2, residues 27289-27309): AGETFVLEAD[Ile27299=]RGKPIPDVVW

ClinVar aggregate classification (germline): Uncertain significance (1 of 4 stars; one submission).

Allele frequency attached by ClinVar (database versions not stated): gnomAD exomes below 0.00001.
gnomAD v4.1: 2 of 1,613,258 alleles (0.00012%); highest among the groups gnomAD compares: Admixed American, 0.0017%; no homozygotes.

Submission:

Biesecker Lab/Clinical Genomics Section, National Institutes of Health
Classification: Uncertain significance. Last evaluated: 2013-06-24. Review status: criteria provided, single submitter. Criteria: Ng et al. (Circ Cardiovasc Genet. 2013). Collection method: research. Allele origin: unknown. Observed: 1 variant allele. Study: ClinSeq.
Comment: The study set was not selected for affection status in relation to any cancer. Pathogenicity categories were based on literature curation. See Pubmed ID:23861362 for details.

Medical sequencing